The following is an entry in ClinVar:

ClinVar aggregate classification (germline): Benign. Review status: reviewed by expert panel (3 of 4 stars). 14 submissions from 13 submitters: Benign (1). 13 of the submissions do not count toward it. Last evaluated 2021-03-26.

Conditions:
Inborn genetic diseases. Identifiers: MedGen C0950123, MeSH D030342.
Obesity. Also called: Obesity disorder. Identifiers: Orphanet 71529, MedGen C0028754, MeSH D009765, MONDO:0011122, HP:0001513.
Christianson syndrome (MRXSCH). Also called: SLC9A6-Related Syndromic Mental Retardation; INTELLECTUAL DEVELOPMENTAL DISORDER, X-LINKED, SYNDROMIC, CHRISTIANSON TYPE; X-linked mental retardation, syndromic, Christianson type. Identifiers: Orphanet 85278, MedGen C2678194, MONDO:0010278, OMIM 300243.
Intellectual disability. Also called: Intellectual developmental disorder; Intellectual functioning disability; intellectual disabilities. Identifiers: MedGen C3714756, MeSH D008607, MONDO:0001071, HP:0001249.

Allele frequency attached by ClinVar (database versions not stated): 1000 Genomes Project 0.00053; 1000 Genomes Project 30x 0.00104; gnomAD 0.00383; ExAC 0.00781.
gnomAD v4.1: 4,983 of 1,130,919 alleles (0.44%); highest among the groups gnomAD compares: Middle Eastern, 0.53%; 10 homozygotes.

Submissions (14):

ClinGen Rett and Angelman-like Disorders Variant Curation Expert Panel
Classification: Benign for Christianson syndrome. Last evaluated: 2021-03-26. Review status: reviewed by expert panel. Criteria: ClinGen RettAS ACMG Specifications V1. Collection method: curation. Allele origin: germline. Inheritance: X-linked inheritance.
Comment: The allele frequency of the p.Ala9Ser variant in SLC9A6 is 0.307% in gnomAD, which is high enough to be classified as benign based on thresholds defined by the ClinGen Rett/Angelman-like Expert Panel for Rett/AS-like conditions (BA1). Computational analysis prediction tools suggest that the p.Ala9Ser variant does not have a deleterious impact; however this information does not predict clinical significance on its own (BP4). In summary, the p.Ala9Ser variant in SLC9A6 is classified as benign based on the ACMG/AMP criteria (BA1, BP4).

Labcorp Genetics (formerly Invitae), Labcorp
Classification: Benign for Christianson syndrome. Last evaluated: 2026-01-31. Review status: criteria provided, single submitter. Criteria: Invitae Variant Classification Sherloc (09022015). Collection method: clinical testing. Allele origin: germline. Not counted in ClinVar's aggregate classification.

Blueprint Genetics
Classification: Likely benign. Last evaluated: 2024-11-28. Review status: criteria provided, single submitter. Criteria: ACMG Guidelines, 2015. Collection method: clinical testing. Allele origin: germline. Not counted in ClinVar's aggregate classification.

Mayo Clinic Laboratories, Mayo Clinic
Classification: Benign. Last evaluated: 2023-05-10. Review status: criteria provided, single submitter. Criteria: ACMG Guidelines, 2015. Collection method: clinical testing. Allele origin: germline. Observed: 8 variant alleles. Not counted in ClinVar's aggregate classification.

Cambridge Genomics Laboratory, East Genomic Laboratory Hub, NHS Genomic Medicine Service
Classification: Benign for Intellectual disability. Last evaluated: 2020-07-13. Review status: criteria provided, single submitter. Criteria: ACGS Best Practice Guidelines for Variant Classification in Rare Disease 2020. Collection method: clinical testing. Allele origin: germline. Affected: yes. Observed: 1 variant allele. Not counted in ClinVar's aggregate classification.

Cambridge Genomics Laboratory, East Genomic Laboratory Hub, NHS Genomic Medicine Service
Classification: Benign for Obesity. Last evaluated: 2020-02-11. Review status: criteria provided, single submitter. Criteria: ACGS Best Practice Guidelines for Variant Classification in Rare Disease 2020. Collection method: clinical testing. Allele origin: germline. Affected: yes. Observed: 1 variant allele. Not counted in ClinVar's aggregate classification.

Athena Diagnostics
Classification: Benign. Last evaluated: 2018-06-13. Review status: criteria provided, single submitter. Criteria: Athena Diagnostics Criteria. Collection method: clinical testing. Allele origin: germline. Not counted in ClinVar's aggregate classification.

GeneDx
Classification: Benign. Last evaluated: 2016-09-06. Review status: criteria provided, single submitter. Criteria: GeneDx Variant Classification (06012015). Collection method: clinical testing. Allele origin: germline. Affected: yes. Not counted in ClinVar's aggregate classification.
Comment: This variant is considered likely benign or benign based on one or more of the following criteria: it is a conservative change, it occurs at a poorly conserved position in the protein, it is predicted to be benign by multiple in silico algorithms, and/or has population frequency not consistent with disease.

Ambry Genetics
Classification: Benign for Inborn genetic diseases. Last evaluated: 2016-07-18. Review status: criteria provided, single submitter. Criteria: Ambry Variant Classification Scheme 2023. Collection method: clinical testing. Allele origin: germline. Not counted in ClinVar's aggregate classification.

Center for Pediatric Genomic Medicine, Children's Mercy Hospital and Clinics
Classification: Benign. Last evaluated: 2016-04-18. Review status: criteria provided, single submitter. Criteria: ACMG Guidelines, 2015. Collection method: clinical testing. Allele origin: germline. Not counted in ClinVar's aggregate classification.

Genetic Services Laboratory, University of Chicago
Classification: Benign. Last evaluated: 2016-03-21. Review status: criteria provided, single submitter. Criteria: ACMG Guidelines, 2015. Collection method: clinical testing. Allele origin: germline. Affected: no. Not counted in ClinVar's aggregate classification.

Eurofins Ntd Llc (ga)
Classification: Benign. Last evaluated: 2015-07-23. Review status: criteria provided, single submitter. Criteria: EGL Classification Definitions 2015. Collection method: clinical testing. Allele origin: germline. Observed: 3 variant alleles, 3 heterozygotes. Not counted in ClinVar's aggregate classification.

Breakthrough Genomics
Classification: Benign. Review status: criteria provided, single submitter. Criteria: ACMG Guidelines, 2015. Collection method: not provided. Allele origin: germline. Inheritance: X-linked inheritance. Affected: yes. Not counted in ClinVar's aggregate classification.

PreventionGenetics, part of Exact Sciences
Classification: Likely benign. Review status: criteria provided, single submitter. Criteria: ACMG Guidelines, 2015. Collection method: clinical testing. Allele origin: germline. Not counted in ClinVar's aggregate classification.

Literature cited by the submitters: PubMed 19471312 (cited by Athena Diagnostics).

NM_001379110.1(SLC9A6):c.-57+50G>T

Genes: SLC9A6 (solute carrier family 9 member A6; plus strand), LOC130068746 (ATAC-STARR-seq lymphoblastoid silent region 21025; plus strand). Cytogenetic location: Xq26.3.
Variant type: single nucleotide variant.
Coding change: c.-57+50G>T on transcript NM_001379110.1 (MANE Select); 50 bases into the intron after 57 bases upstream of the start codon, G replaced by T.
Molecular consequence: intron variant. On other transcripts: missense variant (2).
Genome position (GRCh38, 1-based): chrX:135,985,527, G>T. VCF-style: chrX-135985527-G-T. GRCh37 (hg19) VCF-style: chrX-135067686-G-T.
Other names: p.A9S:GCA>TCA; c.25G>T, p.Ala9Ser (NM_001042537.2, NM_006359.3); c.-57+50G>T (NM_001177651.2); c.-57+55G>T (NM_001330652.2); short protein forms A9S.
Identifiers: ClinVar variation 159933 (VCV000159933.29), dbSNP rs201523857, ClinGen allele CA295170.
Genomic context (GRCh38, chrX:135,985,527, plus strand): 5'-CCGCCGGTGAGGTAGGGGCGGGAGGCGGGGGGAGACATGGCTCGGCGCGGCTGGCGGCGG[G>T]CACCCCTCCGCCGTGGCGTCGGCAGCAGTCCCCGAGCCCGCAGGCTCATGCGGCCCCTTT-3'